The following is an entry in ClinVar:

ClinVar aggregate classification (germline): Uncertain significance (1 of 4 stars; one submission).

Allele frequency attached by ClinVar (database versions not stated): gnomAD exomes below 0.00001.
gnomAD v4.1: 1 of 1,613,760 alleles (0.000062%); highest among the groups gnomAD compares: Non-Finnish European, 0.000085%; no homozygotes.

Submission:

Labcorp Genetics (formerly Invitae), Labcorp
Classification: Uncertain significance. Last evaluated: 2021-10-01. Review status: criteria provided, single submitter. Criteria: Invitae Variant Classification Sherloc (09022015). Collection method: clinical testing. Allele origin: germline.
Comment: In summary, the available evidence is currently insufficient to determine the role of this variant in disease. Therefore, it has been classified as a Variant of Uncertain Significance. Algorithms developed to predict the effect of missense changes on protein structure and function are either unavailable or do not agree on the potential impact of this missense change (SIFT: "Deleterious"; PolyPhen-2: "Possibly Damaging"; Align-GVGD: "Class C0"). This variant has not been reported in the literature in individuals affected with GNB3-related conditions. This variant is not present in population databases (ExAC no frequency). This sequence change replaces cysteine with glycine at codon 250 of the GNB3 protein (p.Cys250Gly). The cysteine residue is moderately conserved and there is a large physicochemical difference between cysteine and glycine.

NM_002075.4(GNB3):c.748T>G (p.Cys250Gly)

Genes: CDCA3 (cell division cycle associated 3; minus strand), GNB3 (G protein subunit beta 3; plus strand). Cytogenetic location: 12p13.31.
Variant type: single nucleotide variant.
Coding change: c.748T>G on transcript NM_002075.4 (MANE Select); coding-DNA position 748, T replaced by G.
Protein change: p.Cys250Gly; replaces cysteine 250 with glycine.
Molecular consequence: missense variant. On other transcripts: 3 prime UTR variant (1).
Genome position (GRCh38, 1-based): chr12:6,845,634, T>G. VCF-style: chr12-6845634-T-G. GRCh37 (hg19) VCF-style: chr12-6954798-T-G.
Other names: c.745T>G, p.Cys249Gly (NM_001297571.2); c.*1154A>C (NM_001297603.3); short protein forms C250G, C249G.
Identifiers: ClinVar variation 1466514 (VCV001466514.7), dbSNP rs2137991224, ClinGen allele CA383674660.